The following is an entry in ClinVar:

ClinVar aggregate classification (germline): Benign. Review status: reviewed by expert panel (3 of 4 stars). 5 submissions from 5 submitters: Benign (1). 4 of the submissions do not count toward it. Last evaluated 2023-10-17.

Conditions:
Platelet-type bleeding disorder 16 (BDPLT16). Also called: Bleeding disorder, platelet-type, 16, autosomal dominant. Identifiers: Orphanet 140957, MedGen C5442010, MONDO:0008552, OMIM 187800.
Glanzmann thrombasthenia 1 (GT1). Also called: BLEEDING DISORDER, PLATELET-TYPE, 2; GP IIb-IIIa COMPLEX DEFICIENCY; GLYCOPROTEIN COMPLEX IIb-IIIa DEFICIENCY; PLATELET FIBRINOGEN RECEPTOR DEFICIENCY. Identifiers: MedGen CN300358, MONDO:0031332, OMIM 273800.
Glanzmann thrombasthenia. Also called: Thrombasthenia; THROMBASTHENIA OF GLANZMANN AND NAEGELI; PLATELET GLYCOPROTEIN IIb-IIIa DEFICIENCY; Glanzmann's thrombasthenia. Identifiers: Orphanet 849, MedGen C0040015, MONDO:0100326.

Allele frequency attached by ClinVar (database versions not stated): 1000 Genomes Project 30x 0.00484; gnomAD 0.00060 and 0.00003; gnomAD exomes 0.00224 and 0.00098; ESP Exome Variant Server 0.00008; TOPMed 0.00015; ExAC 0.00281; 1000 Genomes Project 0.00479.
gnomAD v4.1: 1,534 of 1,613,798 alleles (0.095%); highest among the groups gnomAD compares: South Asian, 1.5%; 22 homozygotes.

Submissions (5):

ClinGen Platelet Disorders Variant Curation Expert Panel, ClinGen
Classification: Benign for Glanzmann thrombasthenia. Last evaluated: 2023-10-17. Review status: reviewed by expert panel. Criteria: ClinGen Platelet ACMG Specifications v2-1. Collection method: curation. Allele origin: germline. Inheritance: Autosomal recessive inheritance.
Comment: The c.2511G>C variant in ITGA2B is a missense variant predicted to cause substitution of Glutamine by Histidine at amino acid 837 (p.Gln837His). The highest population minor allele frequency in gnomAD v2.1.1 is 0.01740 (530/30456 alleles) in the South Asian population, which is higher than the ClinGen PD VCEP threshold (>0.0024) for BA1, and therefore meets this criterion (BA1). The computational predictor REVEL gives a score of 0.197, which is below the ClinGen PD VCEP threshold of <0.25 and predicts no damaging effect on ITGA2B function (BP4). In summary, this variant meets the criteria to be classified as Benign for autosomal recessive Glanzmann Thrombasthenia based on the ACMG/AMP criteria applied, as specified by the ClinGen PD VCEP: BA1 and BP4 (VCEP specifications version 2).

Labcorp Genetics (formerly Invitae), Labcorp
Classification: Benign for Glanzmann thrombasthenia. Last evaluated: 2025-12-18. Review status: criteria provided, single submitter. Criteria: Invitae Variant Classification Sherloc (09022015). Collection method: clinical testing. Allele origin: germline. Not counted in ClinVar's aggregate classification.

Mayo Clinic Laboratories, Mayo Clinic
Classification: Benign. Last evaluated: 2025-01-20. Review status: criteria provided, single submitter. Criteria: ACMG Guidelines, 2015. Collection method: clinical testing. Allele origin: germline. Observed: 1 variant allele. Not counted in ClinVar's aggregate classification.
Comment: BA1, BP4, BP6

Fulgent Genetics
Classification: Likely benign for Platelet-type bleeding disorder 16; Glanzmann thrombasthenia 1. Last evaluated: 2021-08-06. Review status: criteria provided, single submitter. Criteria: ACMG Guidelines, 2015. Collection method: clinical testing. Allele origin: unknown. Not counted in ClinVar's aggregate classification.

Illumina Laboratory Services, Illumina
Classification: Benign for Glanzmann thrombasthenia 1. Last evaluated: 2018-01-13. Review status: criteria provided, single submitter. Criteria: ICSL Variant Classification Criteria 13 December 2019. Collection method: clinical testing. Allele origin: germline. Not counted in ClinVar's aggregate classification.
Comment: This variant was observed in the ICSL laboratory as part of a predisposition screen in an ostensibly healthy population. It had not been previously curated by ICSL or reported in the Human Gene Mutation Database (HGMD: prior to June 1st, 2018), and was therefore a candidate for classification through an automated scoring system. Utilizing variant allele frequency, disease prevalence and penetrance estimates, and inheritance mode, an automated score was calculated to assess if this variant is too frequent to cause the disease. Based on the score and internal cut-off values, a variant classified as benign is not then subjected to further curation. The score for this variant resulted in a classification of benign for this disease.

NM_000419.5(ITGA2B):c.2511G>C (p.Gln837His)

Gene: ITGA2B (integrin subunit alpha 2b; minus strand). Cytogenetic location: 17q21.31.
Variant type: single nucleotide variant.
Coding change: c.2511G>C on transcript NM_000419.5 (MANE Select); coding-DNA position 2511, G replaced by C.
Protein change: p.Gln837His; replaces glutamine 837 with histidine.
Molecular consequence: missense variant.
Genome position (GRCh38, 1-based): chr17:44,375,923, C>G on the plus strand (G>C on the coding strand, the complement: ITGA2B is on the minus strand). VCF-style: chr17-44375923-C-G. GRCh37 (hg19) VCF-style: chr17-42453291-C-G.
Other names: NM_000419.5(ITGA2B):c.2511G>C; p.Gln837His; c.2511G>C (LRG_479t1); short protein forms Q837H.
Identifiers: ClinVar variation 323545 (VCV000323545.12), dbSNP rs377753373, ClinGen allele CA8602661.